The following is an entry in ClinVar:

ClinVar aggregate classification (germline): Uncertain significance (1 of 4 stars; one submission).

Submission:

Labcorp Genetics (formerly Invitae), Labcorp
Classification: Uncertain significance. Last evaluated: 2021-05-21. Review status: criteria provided, single submitter. Criteria: Invitae Variant Classification Sherloc (09022015). Collection method: clinical testing. Allele origin: germline.
Comment: This variant is not present in population databases (ExAC no frequency). In summary, the available evidence is currently insufficient to determine the role of this variant in disease. Therefore, it has been classified as a Variant of Uncertain Significance. Algorithms developed to predict the effect of sequence changes on RNA splicing suggest that this variant may create or strengthen a splice site, but this prediction has not been confirmed by published transcriptional studies. Advanced modeling of protein sequence and biophysical properties (such as structural, functional, and spatial information, amino acid conservation, physicochemical variation, residue mobility, and thermodynamic stability) performed at Invitae indicates that this missense variant is not expected to disrupt GRM6 protein function. This variant has not been reported in the literature in individuals with GRM6-related conditions. This sequence change replaces lysine with arginine at codon 382 of the GRM6 protein (p.Lys382Arg). The lysine residue is highly conserved and there is a small physicochemical difference between lysine and arginine.

NM_000843.4(GRM6):c.1145A>G (p.Lys382Arg)

Genes: GRM6 (glutamate metabotropic receptor 6; minus strand), ZNF454 (zinc finger protein 454; plus strand). Cytogenetic location: 5q35.3.
Variant type: single nucleotide variant.
Coding change: c.1145A>G on transcript NM_000843.4 (MANE Select); coding-DNA position 1145, A replaced by G.
Protein change: p.Lys382Arg; replaces lysine 382 with arginine.
Molecular consequence: missense variant.
Genome position (GRCh38, 1-based): chr5:178,989,273, T>C on the plus strand (A>G on the coding strand, the complement: GRM6 is on the minus strand). VCF-style: chr5-178989273-T-C. GRCh37 (hg19) VCF-style: chr5-178416274-T-C.
Other names: short protein forms K382R.
Identifiers: ClinVar variation 1436434 (VCV001436434.8), dbSNP rs2113337445, ClinGen allele CA362430304.